The following is an entry in ClinVar:

ClinVar aggregate classification (germline): Uncertain significance (1 of 4 stars; one submission).

Conditions:
Pitt-Hopkins-like syndrome 2 (PTHSL2). Identifiers: Orphanet 221150, Orphanet 600663, MedGen C3280479, MONDO:0013690, OMIM 614325.

Submission:

Labcorp Genetics (formerly Invitae), Labcorp
Classification: Uncertain significance for Pitt-Hopkins-like syndrome 2. Last evaluated: 2022-10-02. Review status: criteria provided, single submitter. Criteria: Invitae Variant Classification Sherloc (09022015). Collection method: clinical testing. Allele origin: germline.
Comment: In summary, the available evidence is currently insufficient to determine the role of this variant in disease. Therefore, it has been classified as a Variant of Uncertain Significance. Variants that disrupt the consensus splice site are a relatively common cause of aberrant splicing (PMID: 17576681, 9536098). Algorithms developed to predict the effect of sequence changes on RNA splicing suggest that this variant may disrupt the consensus splice site. This variant has not been reported in the literature in individuals affected with NRXN1-related conditions. This variant is not present in population databases (gnomAD no frequency). This sequence change falls in intron 9 of the NRXN1 gene. It does not directly change the encoded amino acid sequence of the NRXN1 protein. It affects a nucleotide within the consensus splice site.

Literature cited by the submitters: PubMed 17576681; PubMed 9536098.

NM_001330078.2(NRXN1):c.1320+4A>G

Gene: NRXN1 (neurexin 1; minus strand). Cytogenetic location: 2p16.3.
Variant type: single nucleotide variant.
Coding change: c.1320+4A>G on transcript NM_001330078.2 (MANE Select); 4 bases into the intron after coding-DNA position 1320, A replaced by G.
Molecular consequence: intron variant.
Genome position (GRCh38, 1-based): chr2:50,620,018, T>C on the plus strand (A>G on the coding strand, the complement: NRXN1 is on the minus strand). VCF-style: chr2-50620018-T-C. GRCh37 (hg19) VCF-style: chr2-50847156-T-C.
Other names: c.1236+4A>G (NM_001330096.2, NM_001330087.2); c.1281+4A>G (NM_001330083.2, NM_001330084.2); c.1266+4A>G (NM_001330088.2); c.1317+4A>G (NM_001330093.2); c.1308+4A>G (NM_001330094.2); c.1296+4A>G (NM_001330095.2, NM_001330082.2, NM_001330077.2); c.1320+4A>G (NM_001330085.2, NM_004801.6, NM_001330086.2); c.1440+4A>G (NM_001135659.3).
Identifiers: ClinVar variation 2098963 (VCV002098963.4), dbSNP rs2104239758, ClinGen allele CA346821570.